The following is an entry in ClinVar:

ClinVar aggregate classification (germline): Likely benign. Review status: criteria provided, multiple submitters, no conflicts (2 of 4 stars). 3 submissions from 3 submitters: Likely benign (2). 1 of the submissions does not count toward it. Last evaluated 2024-10-18.

Conditions:
CACNA1C-related disorder. Also called: CACNA1C-related condition; CACNA1C-related disorders. Identifiers: MedGen CN381092, MONDO:0700321.
Long QT syndrome (LQTS). Identifiers: MedGen C0023976, MeSH D008133, MONDO:0002442. Disease mechanism: loss of function. Inheritance: Various modes of inheritance.
Cardiovascular phenotype. Identifiers: MedGen CN230736.

Submissions (3):

Labcorp Genetics (formerly Invitae), Labcorp
Classification: Likely benign for Long QT syndrome. Last evaluated: 2024-10-18. Review status: criteria provided, single submitter. Criteria: Invitae Variant Classification Sherloc (09022015). Collection method: clinical testing. Allele origin: germline.

Ambry Genetics
Classification: Likely benign for Cardiovascular phenotype. Last evaluated: 2024-06-21. Review status: criteria provided, single submitter. Criteria: Ambry Variant Classification Scheme 2023. Collection method: clinical testing. Allele origin: germline.

PreventionGenetics, part of Exact Sciences
Classification: Likely benign for CACNA1C-related condition. Last evaluated: 2021-07-28. Review status: no assertion criteria provided. Collection method: clinical testing. Allele origin: germline. Not counted in ClinVar's aggregate classification.
Comment: This variant is classified as likely benign based on ACMG/AMP sequence variant interpretation guidelines (Richards et al. 2015 PMID: 25741868, with internal and published modifications).

NM_000719.7(CACNA1C):c.1161A>G (p.Thr387=)

Gene: CACNA1C (calcium voltage-gated channel subunit alpha1 C; plus strand). Cytogenetic location: 12p13.33.
Variant type: single nucleotide variant.
Coding change: c.1161A>G on transcript NM_000719.7 (MANE Select); coding-DNA position 1161, A replaced by G.
Protein change: p.Thr387=; no amino-acid change (threonine 387 retained).
Molecular consequence: synonymous variant. On other transcripts: intron variant (4).
Genome position (GRCh38, 1-based): chr12:2,504,889, A>G. VCF-style: chr12-2504889-A-G. GRCh37 (hg19) VCF-style: chr12-2614055-A-G.
Other names: c.1161A>G, p.Thr387= (NM_001129827.2, NM_001129829.2, NM_001129830.3 and 14 more transcripts); c.1152A>G, p.Thr384= (NM_001129844.2); c.1217+350A>G (NM_001167624.3, NM_001167623.2, NM_001167625.2 and 1 more transcripts).
Identifiers: ClinVar variation 2090019 (VCV002090019.7), dbSNP rs1051353, ClinGen allele CA477901504.